The following is an entry in ClinVar:

NM_000053.4(ATP7B):c.2280_2301del (p.Val761fs)

Gene: ATP7B (ATPase copper transporting beta; minus strand). Cytogenetic location: 13q14.3.
Variant type: Deletion.
Coding change: c.2280_2301del on transcript NM_000053.4 (MANE Select); coding-DNA positions 2280 to 2301, 22 bases deleted (TGTGACATTCTTCGACACGCCC).
Protein change: p.Val761fs; shifts the reading frame from valine 761.
Molecular consequence: frameshift variant. On other transcripts: intron variant (14).
Genome position (GRCh38, 1-based): chr13:51,958,365-51,958,386, GGGCGTGTCGAAGAATGTCACA deleted on the plus strand (TGTGACATTCTTCGACACGCCC on the coding strand, the reverse complement: ATP7B is on the minus strand); deleting any 22 consecutive bases within chr13:51,958,365-51,958,390 gives the same sequence; the c. name uses the placement nearest the transcript's 3' end. VCF-style (leftmost placement, unchanged base first): chr13-51958364-GGGGCGTGTCGAAGAATGTCACA-G. GRCh37 (hg19) VCF-style: chr13-52532500-GGGGCGTGTCGAAGAATGTCACA-G.
Other names: c.1947_1968del, p.Val650fs (NM_001243182.2); c.2028_2049del, p.Val677fs (NM_001330579.2, NM_001406531.1, NM_001406532.1 and 1 more transcripts); c.2280_2301del, p.Val761fs (NM_001406511.1, NM_001406512.1, NM_001406513.1 and 7 more transcripts); c.2247_2268del, p.Val750fs (NM_001406514.1); c.2184_2205del, p.Val729fs (NM_001406517.1, NM_001406518.1); c.2136_2157del, p.Val713fs (NM_001406520.1, NM_001406521.1, NM_001406522.1 and 1 more transcripts); c.2103_2124del, p.Val702fs (NM_001406524.1); c.2040_2061del, p.Val681fs (NM_001406530.1); and 8 more; short protein forms V650fs, V702fs, V713fs, V618fs, V645fs, V761fs, V729fs, V677fs.
Identifiers: ClinVar variation 2891904 (VCV002891904.4), dbSNP rs1958493213, ClinGen allele CA2091549907.

ClinVar aggregate classification (germline): Pathogenic/Likely pathogenic. Review status: criteria provided, multiple submitters, no conflicts (2 of 4 stars). 2 submissions from 2 submitters: Pathogenic (1); Likely pathogenic (1). Last evaluated 2024-01-25.

Conditions:
Wilson disease (WND). Also called: Wilson's disease. Identifiers: Orphanet 905, MedGen C0019202, MONDO:0010200, OMIM 277900. Disease mechanism: loss of function.

Submissions (2):

Labcorp Genetics (formerly Invitae), Labcorp
Classification: Pathogenic for Wilson disease. Last evaluated: 2024-01-25. Review status: criteria provided, single submitter. Criteria: Invitae Variant Classification Sherloc (09022015). Collection method: clinical testing. Allele origin: germline.
Comment: This sequence change creates a premature translational stop signal (p.Val761Profs*39) in the ATP7B gene. It is expected to result in an absent or disrupted protein product. Loss-of-function variants in ATP7B are known to be pathogenic (PMID: 10441329, 16283883). This variant is not present in population databases (gnomAD no frequency). This premature translational stop signal has been observed in individual(s) with Wilson Disease (PMID: 10502777). This variant is also known as 2280del22. For these reasons, this variant has been classified as Pathogenic.

Baylor Genetics
Classification: Likely pathogenic for Wilson disease. Last evaluated: 2024-01-01. Review status: criteria provided, single submitter. Criteria: ACMG Guidelines, 2015. Collection method: clinical testing. Allele origin: unknown.

Literature cited by the submitters: PubMed 10441329 (cited by Labcorp Genetics (formerly Invitae), Labcorp); PubMed 16283883 (cited by Labcorp Genetics (formerly Invitae), Labcorp); PubMed 10502777 (cited by Labcorp Genetics (formerly Invitae), Labcorp).